The following is an entry in ClinVar:

ClinVar aggregate classification (germline): Uncertain significance. Review status: criteria provided, multiple submitters, no conflicts (2 of 4 stars). 2 submissions from 2 submitters: Uncertain significance (2). Last evaluated 2025-05-28.

Conditions:
Inborn genetic diseases. Identifiers: MedGen C0950123, MeSH D030342.

Allele frequency attached by ClinVar (database versions not stated): gnomAD 0.00001; TOPMed 0.00002; ESP Exome Variant Server 0.00009.
gnomAD v4.1: 1 of 1,193,779 alleles (0.000084%); highest among the groups gnomAD compares: African/African-American, 0.0018%; no homozygotes.

Submissions (2):

Ambry Genetics
Classification: Uncertain significance for Inborn genetic diseases. Last evaluated: 2025-05-28. Review status: criteria provided, single submitter. Criteria: Ambry Variant Classification Scheme 2023. Collection method: clinical testing. Allele origin: germline.

Labcorp Genetics (formerly Invitae), Labcorp
Classification: Uncertain significance. Last evaluated: 2023-08-25. Review status: criteria provided, single submitter. Criteria: Invitae Variant Classification Sherloc (09022015). Collection method: clinical testing. Allele origin: germline.
Comment: This sequence change replaces glycine, which is neutral and non-polar, with glutamic acid, which is acidic and polar, at codon 1885 of the TAF1 protein (p.Gly1885Glu). This variant is not present in population databases (gnomAD no frequency). In summary, the available evidence is currently insufficient to determine the role of this variant in disease. Therefore, it has been classified as a Variant of Uncertain Significance. An algorithm developed to predict the effect of missense changes on protein structure and function (PolyPhen-2) suggests that this variant is likely to be disruptive. This variant has not been reported in the literature in individuals affected with TAF1-related conditions.

NM_004606.5(TAF1):c.5594G>A (p.Gly1865Glu)

Gene: TAF1 (TATA-box binding protein associated factor 1; plus strand). Cytogenetic location: Xq13.1.
Variant type: single nucleotide variant.
Coding change: c.5594G>A on transcript NM_004606.5 (MANE Select); coding-DNA position 5594, G replaced by A.
Protein change: p.Gly1865Glu; replaces glycine 1865 with glutamic acid.
Molecular consequence: missense variant.
Genome position (GRCh38, 1-based): chrX:71,464,018, G>A. VCF-style: chrX-71464018-G-A. GRCh37 (hg19) VCF-style: chrX-70683868-G-A.
Other names: c.5600G>A, p.Gly1867Glu (NM_001286074.2); c.5531G>A, p.Gly1844Glu (NM_138923.4); c.5654G>A (NM_004606.3); short protein forms G1867E, G1865E, G1844E.
Identifiers: ClinVar variation 2978518 (VCV002978518.4), dbSNP rs150788734, ClinGen allele CA331026020.